The following is an entry in ClinVar:

ClinVar aggregate classification (germline): Uncertain significance. Review status: criteria provided, multiple submitters, no conflicts (2 of 4 stars). 2 submissions from 2 submitters: Uncertain significance (2). Last evaluated 2023-07-28.

Conditions:
Camptomelic dysplasia (CMPD). Also called: CMPD1/SRA1; Campomelic Dysplasia. Identifiers: Orphanet 140, MedGen C1861922, MONDO:0007251, OMIM 114290.

Allele frequency attached by ClinVar (database versions not stated): gnomAD exomes 0.00001 and 0.00002; TOPMed 0.00001; ExAC 0.00002.
gnomAD v4.1: 20 of 1,614,154 alleles (0.0012%); highest among the groups gnomAD compares: Non-Finnish European, 0.0017%; no homozygotes.

Submissions (2):

Labcorp Genetics (formerly Invitae), Labcorp
Classification: Uncertain significance for Camptomelic dysplasia. Last evaluated: 2023-07-28. Review status: criteria provided, single submitter. Criteria: Invitae Variant Classification Sherloc (09022015). Collection method: clinical testing. Allele origin: germline.
Comment: Advanced modeling of protein sequence and biophysical properties (such as structural, functional, and spatial information, amino acid conservation, physicochemical variation, residue mobility, and thermodynamic stability) performed at Invitae indicates that this missense variant is not expected to disrupt SOX9 protein function. ClinVar contains an entry for this variant (Variation ID: 425144). This variant has not been reported in the literature in individuals affected with SOX9-related conditions. This variant is present in population databases (rs771056492, gnomAD 0.004%). This sequence change replaces alanine, which is neutral and non-polar, with proline, which is neutral and non-polar, at codon 187 of the SOX9 protein (p.Ala187Pro). In summary, the available evidence is currently insufficient to determine the role of this variant in disease. Therefore, it has been classified as a Variant of Uncertain Significance.

CeGaT Center for Human Genetics Tuebingen
Classification: Uncertain significance. Last evaluated: 2016-11-01. Review status: criteria provided, single submitter. Criteria: CeGaT Center For Human Genetics Tuebingen Variant Classification Criteria Version 2. Collection method: clinical testing. Allele origin: germline. Affected: yes. Observed: 1 variant allele.

NM_000346.4(SOX9):c.559G>C (p.Ala187Pro)

Gene: SOX9 (SRY-box transcription factor 9; plus strand). Cytogenetic location: 17q24.3.
Variant type: single nucleotide variant.
Coding change: c.559G>C on transcript NM_000346.4 (MANE Select); coding-DNA position 559, G replaced by C.
Protein change: p.Ala187Pro; replaces alanine 187 with proline.
Molecular consequence: missense variant.
Genome position (GRCh38, 1-based): chr17:72,122,846, G>C. VCF-style: chr17-72122846-G-C. GRCh37 (hg19) VCF-style: chr17-70118987-G-C.
Other names: short protein forms A187P.
Identifiers: ClinVar variation 425144 (VCV000425144.46), dbSNP rs771056492, ClinGen allele CA8738945.
Genomic context (GRCh38, chr17:72,122,846, plus strand): 5'-AAGGACCACCCGGATTACAAGTACCAGCCGCGGCGGAGGAAGTCGGTGAAGAACGGGCAG[G>C]CGGAGGCAGAGGAGGCCACGGAGCAGACGCACATCTCCCCCAACGCCATCTTCAAGGCGC-3'
Protein context (NP_000337.1, residues 177-197): RRRKSVKNGQ[Ala187Pro]EAEEATEQTH